The following is an entry in ClinVar:

ClinVar aggregate classification (germline): Uncertain significance (1 of 4 stars; one submission).

Submission:

Labcorp Genetics (formerly Invitae), Labcorp
Classification: Uncertain significance. Last evaluated: 2024-01-31. Review status: criteria provided, single submitter. Criteria: Invitae Variant Classification Sherloc (09022015). Collection method: clinical testing. Allele origin: germline.
Comment: This sequence change replaces glutamine, which is neutral and polar, with proline, which is neutral and non-polar, at codon 53 of the CFB protein (p.Gln53Pro). This variant is not present in population databases (gnomAD no frequency). This variant has not been reported in the literature in individuals affected with CFB-related conditions. Advanced modeling of protein sequence and biophysical properties (such as structural, functional, and spatial information, amino acid conservation, physicochemical variation, residue mobility, and thermodynamic stability) performed at Invitae indicates that this missense variant is not expected to disrupt CFB protein function with a negative predictive value of 80%. In summary, the available evidence is currently insufficient to determine the role of this variant in disease. Therefore, it has been classified as a Variant of Uncertain Significance.

NM_001710.6(CFB):c.158A>C (p.Gln53Pro)

Gene: CFB (complement factor B; plus strand). Cytogenetic location: 6p21.33.
Variant type: single nucleotide variant.
Coding change: c.158A>C on transcript NM_001710.6 (MANE Select); coding-DNA position 158, A replaced by C.
Protein change: p.Gln53Pro; replaces glutamine 53 with proline.
Molecular consequence: missense variant.
Genome position (GRCh38, 1-based): chr6:31,946,466, A>C. VCF-style: chr6-31946466-A-C. GRCh37 (hg19) VCF-style: chr6-31914243-A-C.
Other names: short protein forms Q53P.
Identifiers: ClinVar variation 2714529 (VCV002714529.3), dbSNP rs2482670727, ClinGen allele CA363388402.